The following is an entry in ClinVar:

NM_012418.4(FSCN2):c.365C>A (p.Ala122Asp)

Gene: FSCN2 (fascin actin-bundling protein 2, retinal; plus strand). Cytogenetic location: 17q25.3.
Variant type: single nucleotide variant.
Coding change: c.365C>A on transcript NM_012418.4 (MANE Select); coding-DNA position 365, C replaced by A.
Protein change: p.Ala122Asp; replaces alanine 122 with aspartic acid.
Molecular consequence: missense variant.
Genome position (GRCh38, 1-based): chr17:81,528,896, C>A. VCF-style: chr17-81528896-C-A. GRCh37 (hg19) VCF-style: chr17-79495922-C-A.
Other names: c.365C>A, p.Ala122Asp (NM_001077182.3); short protein forms A122D.
Identifiers: ClinVar variation 1519530 (VCV001519530.6), dbSNP rs1275222892, ClinGen allele CA401470748.

ClinVar aggregate classification (germline): Uncertain significance (1 of 4 stars; one submission).

Allele frequency attached by ClinVar (database versions not stated): gnomAD 0.00001; TOPMed 0.00001.
gnomAD v4.1: 3 of 1,580,592 alleles (0.00019%); highest among the groups gnomAD compares: Non-Finnish European, 0.00026%; no homozygotes.

Submission:

Labcorp Genetics (formerly Invitae), Labcorp
Classification: Uncertain significance. Last evaluated: 2023-08-10. Review status: criteria provided, single submitter. Criteria: Invitae Variant Classification Sherloc (09022015). Collection method: clinical testing. Allele origin: germline.
Comment: In summary, the available evidence is currently insufficient to determine the role of this variant in disease. Therefore, it has been classified as a Variant of Uncertain Significance. An algorithm developed to predict the effect of missense changes on protein structure and function (PolyPhen-2) suggests that this variant is likely to be disruptive. ClinVar contains an entry for this variant (Variation ID: 1519530). This variant has not been reported in the literature in individuals affected with FSCN2-related conditions. This variant is not present in population databases (gnomAD no frequency). This sequence change replaces alanine, which is neutral and non-polar, with aspartic acid, which is acidic and polar, at codon 122 of the FSCN2 protein (p.Ala122Asp).